The following is an entry in ClinVar:

NM_004612.4(TGFBR1):c.692T>G (p.Val231Gly)

Gene: TGFBR1 (transforming growth factor beta receptor 1; plus strand). Cytogenetic location: 9q22.33.
Variant type: single nucleotide variant.
Coding change: c.692T>G on transcript NM_004612.4 (MANE Select); coding-DNA position 692, T replaced by G.
Protein change: p.Val231Gly; replaces valine 231 with glycine.
Molecular consequence: missense variant. On other transcripts: non-coding transcript variant (4), intron variant (2).
Genome position (GRCh38, 1-based): chr9:99,137,976, T>G. VCF-style: chr9-99137976-T-G. GRCh37 (hg19) VCF-style: chr9-101900258-T-G.
Other names: c.461T>G, p.Val154Gly (NM_001130916.3); c.704T>G, p.Val235Gly (NM_001306210.2, NM_001407416.1); c.692T>G, p.Val231Gly (NM_001407417.1); c.497T>G, p.Val166Gly (NM_001407418.1, NM_001407419.1, NM_001407420.1 and 1 more transcripts); c.485T>G, p.Val162Gly (NM_001407423.1, NM_001407424.1, NM_001407425.1 and 8 more transcripts); c.446T>G, p.Val149Gly (NM_001407436.1); c.215T>G, p.Val72Gly (NM_001407438.1); c.575-4560T>G (NM_001407435.1); and 1 more; short protein forms V149G, V154G, V162G, V166G, V231G, V235G, V72G.
Identifiers: ClinVar variation 2500552 (VCV002500552.1), dbSNP rs2118715406, ClinGen allele CA374229704.

ClinVar aggregate classification (germline): Uncertain significance (1 of 4 stars; one submission).

Submission:

GeneDx
Classification: Uncertain significance. Last evaluated: 2022-10-31. Review status: criteria provided, single submitter. Criteria: GeneDx Variant Classification Process June 2021. Collection method: clinical testing. Allele origin: germline. Affected: yes.
Comment: Has not been previously published as pathogenic or benign to our knowledge; Not observed at significant frequency in large population cohorts (gnomAD); In silico analysis supports that this missense variant has a deleterious effect on protein structure/function